The following is an entry in ClinVar:

NM_005918.4(MDH2):c.970A>G (p.Lys324Glu)

Gene: MDH2 (malate dehydrogenase 2; plus strand). Cytogenetic location: 7q11.23.
Variant type: single nucleotide variant.
Coding change: c.970A>G on transcript NM_005918.4 (MANE Select); coding-DNA position 970, A replaced by G.
Protein change: p.Lys324Glu; replaces lysine 324 with glutamic acid.
Molecular consequence: missense variant.
Genome position (GRCh38, 1-based): chr7:76,066,363, A>G. VCF-style: chr7-76066363-A-G. GRCh37 (hg19) VCF-style: chr7-75695681-A-G.
Other names: c.844A>G, p.Lys282Glu (NM_001282403.2); c.649A>G, p.Lys217Glu (NM_001282404.2); short protein forms K217E, K282E, K324E.
Identifiers: ClinVar variation 3225226 (VCV003225226.1), dbSNP rs2535875803, ClinGen allele CA367770059.

ClinVar aggregate classification (germline): Uncertain significance (1 of 4 stars; one submission).

Conditions:
Inborn genetic diseases. Identifiers: MedGen C0950123, MeSH D030342.

Submission:

Ambry Genetics
Classification: Uncertain significance for Inborn genetic diseases. Last evaluated: 2024-01-01. Review status: criteria provided, single submitter. Criteria: Ambry Variant Classification Scheme 2023. Collection method: clinical testing. Allele origin: germline.
Comment: The p.K324E variant (also known as c.970A>G), located in coding exon 9 of the MDH2 gene, results from an A to G substitution at nucleotide position 970. The lysine at codon 324 is replaced by glutamic acid, an amino acid with similar properties. This amino acid position is conserved. In addition, this alteration is predicted to be deleterious by in silico analysis. Since supporting evidence is limited at this time, the clinical significance of this alteration remains unclear.